The following is an entry in ClinVar:

ClinVar aggregate classification (germline): Uncertain significance. Review status: criteria provided, multiple submitters, no conflicts (2 of 4 stars). 2 submissions from 2 submitters: Uncertain significance (2). Last evaluated 2025-07-12.

Conditions:
Hereditary cancer-predisposing syndrome. Also called: Neoplastic Syndromes, Hereditary; Tumor predisposition; Hereditary Cancer Syndrome; Hereditary neoplastic syndrome. Identifiers: Orphanet 140162, MedGen C0027672, MeSH D009386, MONDO:0015356.

Submissions (2):

Ambry Genetics
Classification: Uncertain significance for Hereditary cancer-predisposing syndrome. Last evaluated: 2025-07-12. Review status: criteria provided, single submitter. Criteria: Ambry Variant Classification Scheme 2023. Collection method: clinical testing. Allele origin: germline.
Comment: The p.I364M variant (also known as c.1092C>G), located in coding exon 8 of the RAD50 gene, results from a C to G substitution at nucleotide position 1092. The isoleucine at codon 364 is replaced by methionine, an amino acid with highly similar properties. This amino acid position is conserved. In addition, this alteration is predicted to be tolerated by in silico analysis. Based on the available evidence, the clinical significance of this variant remains unclear.

Labcorp Genetics (formerly Invitae), Labcorp
Classification: Uncertain significance for Hereditary cancer-predisposing syndrome. Last evaluated: 2018-11-05. Review status: criteria provided, single submitter. Criteria: Invitae Variant Classification Sherloc (09022015). Collection method: clinical testing. Allele origin: germline.
Comment: In summary, the available evidence is currently insufficient to determine the role of this variant in disease. Therefore, it has been classified as a Variant of Uncertain Significance. Algorithms developed to predict the effect of missense changes on protein structure and function output the following: SIFT: "Tolerated"; PolyPhen-2: "Benign"; Align-GVGD: "Class C0". The methionine amino acid residue is found in multiple mammalian species, suggesting that this missense change does not adversely affect protein function. These predictions have not been confirmed by published functional studies and their clinical significance is uncertain. This variant has not been reported in the literature in individuals with RAD50-related disease. This variant is not present in population databases (ExAC no frequency). This sequence change replaces isoleucine with methionine at codon 364 of the RAD50 protein (p.Ile364Met). The isoleucine residue is moderately conserved and there is a small physicochemical difference between isoleucine and methionine.

NM_005732.4(RAD50):c.1092C>G (p.Ile364Met)

Gene: RAD50 (RAD50 double strand break repair protein; plus strand). Cytogenetic location: 5q31.1.
Variant type: single nucleotide variant.
Coding change: c.1092C>G on transcript NM_005732.4 (MANE Select); coding-DNA position 1092, C replaced by G.
Protein change: p.Ile364Met; replaces isoleucine 364 with methionine.
Molecular consequence: missense variant.
Genome position (GRCh38, 1-based): chr5:132,588,727, C>G. VCF-style: chr5-132588727-C-G. GRCh37 (hg19) VCF-style: chr5-131924419-C-G.
Other names: short protein forms I364M.
Identifiers: ClinVar variation 653010 (VCV000653010.10), dbSNP rs1580992714, ClinGen allele CA360942271.